The following is an entry in ClinVar:

ClinVar aggregate classification (germline): Pathogenic. Review status: criteria provided, single submitter (1 of 4 stars). 2 submissions from 2 submitters: Pathogenic (1). 1 of the submissions does not count toward it. Last evaluated 2023-12-14.

Conditions:
Hemochromatosis type 2A (HFE2A). Also called: HJV (HFE2)-Related Juvenile Hemochromatosis; Adult-Onset Hemochromatosis. Identifiers: Orphanet 79230, MedGen C1865614, MONDO:0011216, OMIM 602390.

Allele frequency attached by ClinVar (database versions not stated): gnomAD exomes below 0.00001.

Submissions (2):

Labcorp Genetics (formerly Invitae), Labcorp
Classification: Pathogenic. Last evaluated: 2023-12-14. Review status: criteria provided, single submitter. Criteria: Invitae Variant Classification Sherloc (09022015). Collection method: clinical testing. Allele origin: germline.
Comment: This sequence change creates a premature translational stop signal (p.Arg54*) in the HJV gene. It is expected to result in an absent or disrupted protein product. Loss-of-function variants in HJV are known to be pathogenic (PMID: 20301349, 22408404). This variant is not present in population databases (gnomAD no frequency). This premature translational stop signal has been observed in individual(s) with hereditary hemochromatosis (PMID: 18492090). ClinVar contains an entry for this variant (Variation ID: 2373). For these reasons, this variant has been classified as Pathogenic.

OMIM
Classification: Pathogenic for HEMOCHROMATOSIS, TYPE 2A. Last evaluated: 2008-07-01. Review status: no assertion criteria provided. Collection method: literature only. Allele origin: germline. Not counted in ClinVar's aggregate classification.

Literature cited by the submitters: PubMed 20301349 (cited by Labcorp Genetics (formerly Invitae), Labcorp); PubMed 22408404 (cited by Labcorp Genetics (formerly Invitae), Labcorp); PubMed 18492090 (cited by Labcorp Genetics (formerly Invitae), Labcorp and OMIM).

NM_213653.4(HJV):c.160A>T (p.Arg54Ter)

Gene: HJV (hemojuvelin BMP co-receptor; minus strand). Cytogenetic location: 1q21.1.
Variant type: single nucleotide variant.
Coding change: c.160A>T on transcript NM_213653.4 (MANE Select); coding-DNA position 160, A replaced by T.
Protein change: p.Arg54Ter; replaces arginine 54 with a stop codon.
Molecular consequence: nonsense. On other transcripts: 5 prime UTR variant (1), intron variant (3).
Genome position (GRCh38, 1-based): chr1:146,019,672, T>A on the plus strand (A>T on the coding strand, the complement: HJV is on the minus strand). VCF-style: chr1-146019672-T-A. GRCh37 (hg19) VCF-style: chr1-145415341-A-T.
Other names: c.160A>T, p.Arg54Ter (NM_001379352.1); c.-180A>T (NM_145277.5); c.-21-972A>T (NM_213652.4); c.-22+26A>T (NM_202004.4, NM_001316767.2); short protein forms R54*.
Identifiers: ClinVar variation 2373 (VCV000002373.8), dbSNP rs121434375, ClinGen allele CA252260.